The following is an entry in ClinVar:

ClinVar aggregate classification (germline): Uncertain significance (1 of 4 stars; one submission).

Conditions:
Combined oxidative phosphorylation defect type 17. Also called: Combined oxidative phosphorylation deficiency 17. Identifiers: Orphanet 369913, MedGen C3809526, MONDO:0014190, OMIM 615440.

Allele frequency attached by ClinVar (database versions not stated): gnomAD 0.00001; TOPMed 0.00002.
gnomAD v4.1: 6 of 1,614,080 alleles (0.00037%); highest among the groups gnomAD compares: Admixed American, 0.0083%; no homozygotes.

Submission:

Labcorp Genetics (formerly Invitae), Labcorp
Classification: Uncertain significance for Combined oxidative phosphorylation defect type 17. Last evaluated: 2021-10-20. Review status: criteria provided, single submitter. Criteria: Invitae Variant Classification Sherloc (09022015). Collection method: clinical testing. Allele origin: germline.
Comment: This sequence change replaces glycine with alanine at codon 303 of the ELAC2 protein (p.Gly303Ala). The glycine residue is moderately conserved and there is a small physicochemical difference between glycine and alanine. This variant is not present in population databases (ExAC no frequency). This variant has not been reported in the literature in individuals affected with ELAC2-related conditions. Algorithms developed to predict the effect of missense changes on protein structure and function are either unavailable or do not agree on the potential impact of this missense change (SIFT: "Tolerated"; PolyPhen-2: "Probably Damaging"; Align-GVGD: "Class C0"). In summary, the available evidence is currently insufficient to determine the role of this variant in disease. Therefore, it has been classified as a Variant of Uncertain Significance.

NM_018127.7(ELAC2):c.908G>C (p.Gly303Ala)

Gene: ELAC2 (elaC ribonuclease Z 2; minus strand). Cytogenetic location: 17p12.
Variant type: single nucleotide variant.
Coding change: c.908G>C on transcript NM_018127.7 (MANE Select); coding-DNA position 908, G replaced by C.
Protein change: p.Gly303Ala; replaces glycine 303 with alanine.
Molecular consequence: missense variant.
Genome position (GRCh38, 1-based): chr17:13,005,064, C>G on the plus strand (G>C on the coding strand, the complement: ELAC2 is on the minus strand). VCF-style: chr17-13005064-C-G. GRCh37 (hg19) VCF-style: chr17-12908381-C-G.
Other names: c.788G>C, p.Gly263Ala (NM_001165962.2); c.908G>C, p.Gly303Ala (NM_173717.2); short protein forms G263A, G303A.
Identifiers: ClinVar variation 1004924 (VCV001004924.2), dbSNP rs188256643, ClinGen allele CA398226397.